The following is an entry in ClinVar:

NM_016507.4(CDK12):c.3818C>G (p.Pro1273Arg)

Gene: CDK12 (cyclin dependent kinase 12; plus strand). Cytogenetic location: 17q12.
Variant type: single nucleotide variant.
Coding change: c.3818C>G on transcript NM_016507.4 (MANE Select); coding-DNA position 3818, C replaced by G.
Protein change: p.Pro1273Arg; replaces proline 1273 with arginine.
Molecular consequence: missense variant.
Genome position (GRCh38, 1-based): chr17:39,530,661, C>G. VCF-style: chr17-39530661-C-G. GRCh37 (hg19) VCF-style: chr17-37686914-C-G.
Other names: c.3791C>G, p.Pro1264Arg (NM_015083.4); short protein forms P1264R, P1273R.
Identifiers: ClinVar variation 3830452 (VCV003830452.1).
Genomic context (GRCh38, chr17:39,530,661, plus strand): 5'-CAGCATGTCCTCCTCACATTCTTCCACCAGAGAAGAGGCCCCCTGAGCCCCCCGGACCTC[C>G]ACCGCCGCCACCTCCACCCCCTCTGGTTGAAGGCGATCTTTCCAGCGCCCCCCAGGAGTT-3'
Protein context (NP_057591.2, residues 1263-1283): EKRPPEPPGP[Pro1273Arg]PPPPPPPLVE

ClinVar aggregate classification (germline): Uncertain significance (1 of 4 stars; one submission).

Submission:

Ambry Genetics
Classification: Uncertain significance. Last evaluated: 2025-01-05. Review status: criteria provided, single submitter. Criteria: Ambry Variant Classification Scheme 2023. Collection method: clinical testing. Allele origin: germline.
Comment: The p.P1273R variant (also known as c.3818C>G), located in coding exon 14 of the CDK12 gene, results from a C to G substitution at nucleotide position 3818. The proline at codon 1273 is replaced by arginine, an amino acid with dissimilar properties. This amino acid position is conserved. In addition, the in silico prediction for this alteration is inconclusive. Based on the available evidence, the clinical significance of this variant remains unclear.